The following is an entry in ClinVar:

NM_024870.4(PREX2):c.3892A>T (p.Met1298Leu)

Gene: PREX2 (phosphatidylinositol-3,4,5-trisphosphate dependent Rac exchange factor 2; plus strand). Cytogenetic location: 8q13.2.
Variant type: single nucleotide variant.
Coding change: c.3892A>T on transcript NM_024870.4 (MANE Select); coding-DNA position 3892, A replaced by T.
Protein change: p.Met1298Leu; replaces methionine 1298 with leucine.
Molecular consequence: missense variant.
Genome position (GRCh38, 1-based): chr8:68,134,184, A>T. VCF-style: chr8-68134184-A-T. GRCh37 (hg19) VCF-style: chr8-69046419-A-T.
Other names: short protein forms M1298L.
Identifiers: ClinVar variation 3043235 (VCV003043235.2), dbSNP rs78101420, ClinGen allele CA4774614.

ClinVar aggregate classification (germline): Likely benign (0 of 4 stars; one submission).

Conditions:
PREX2-related disorder. Also called: PREX2-related condition.

Allele frequency attached by ClinVar (database versions not stated): 1000 Genomes Project 30x 0.00078; 1000 Genomes Project 0.00080; TOPMed 0.00108; ESP Exome Variant Server 0.00115; gnomAD 0.00137; gnomAD exomes 0.00176; ExAC 0.00177.

Submission:

PreventionGenetics, part of Exact Sciences
Classification: Likely benign for PREX2-related condition. Last evaluated: 2020-06-10. Review status: no assertion criteria provided. Collection method: clinical testing. Allele origin: germline.
Comment: This variant is classified as likely benign based on ACMG/AMP sequence variant interpretation guidelines (Richards et al. 2015 PMID: 25741868, with internal and published modifications).